The following is an entry in ClinVar:

NM_002769.5(PRSS1):c.172G>A (p.Val58Met)

Genes: TRB (T cell receptor beta locus; plus strand), PRSS1 (serine protease 1; plus strand). Cytogenetic location: 7q34.
Variant type: single nucleotide variant.
Coding change: c.172G>A on transcript NM_002769.5 (MANE Select); coding-DNA position 172, G replaced by A.
Protein change: p.Val58Met; replaces valine 58 with methionine.
Molecular consequence: missense variant. On other transcripts: non-coding transcript variant (4).
Genome position (GRCh38, 1-based): chr7:142,750,686, G>A. VCF-style: chr7-142750686-G-A. GRCh37 (hg19) VCF-style: chr7-142458537-G-A.
Other names: short protein forms V58M.
Identifiers: ClinVar variation 1778950 (VCV001778950.6), dbSNP rs1219784204, ClinGen allele CA369607497.

ClinVar aggregate classification (germline): Uncertain significance. Review status: criteria provided, multiple submitters, no conflicts (2 of 4 stars). 2 submissions from 2 submitters: Uncertain significance (2). Last evaluated 2024-08-31.

Conditions:
Hereditary pancreatitis (PCTT). Also called: Hereditary chronic pancreatitis; PRSS1-Related Hereditary Pancreatitis. Identifiers: Orphanet 676, MedGen C0238339, MONDO:0008185, OMIM 167800.

Submissions (2):

Ambry Genetics
Classification: Uncertain significance for Hereditary pancreatitis. Last evaluated: 2024-08-31. Review status: criteria provided, single submitter. Criteria: Ambry Variant Classification Scheme 2023. Collection method: clinical testing. Allele origin: germline.
Comment: The p.V58M variant (also known as c.172G>A), located in coding exon 2 of the PRSS1 gene, results from a G to A substitution at nucleotide position 172. The valine at codon 58 is replaced by methionine, an amino acid with highly similar properties. This amino acid position is conserved. In addition, this alteration is predicted to be deleterious by in silico analysis. Since supporting evidence is limited at this time, the clinical significance of this alteration remains unclear.

Labcorp Genetics (formerly Invitae), Labcorp
Classification: Uncertain significance for Hereditary pancreatitis. Last evaluated: 2023-03-14. Review status: criteria provided, single submitter. Criteria: Invitae Variant Classification Sherloc (09022015). Collection method: clinical testing. Allele origin: germline.
Comment: This sequence change replaces valine, which is neutral and non-polar, with methionine, which is neutral and non-polar, at codon 58 of the PRSS1 protein (p.Val58Met). In summary, the available evidence is currently insufficient to determine the role of this variant in disease. Therefore, it has been classified as a Variant of Uncertain Significance. Advanced modeling of protein sequence and biophysical properties (such as structural, functional, and spatial information, amino acid conservation, physicochemical variation, residue mobility, and thermodynamic stability) performed at Invitae indicates that this missense variant is expected to disrupt PRSS1 protein function. ClinVar contains an entry for this variant (Variation ID: 1778950). This variant has not been reported in the literature in individuals affected with PRSS1-related conditions. The frequency data for this variant in the population databases is considered unreliable, as metrics indicate poor data quality at this position in the gnomAD database.